The following is an entry in ClinVar:

ClinVar aggregate classification (germline): Uncertain significance (1 of 4 stars; one submission).

Conditions:
Hereditary breast ovarian cancer syndrome. Also called: BRCA1- and BRCA2-Associated Hereditary Breast and Ovarian Cancer; Hereditary breast and ovarian cancer syndrome (HBOC); Hereditary breast and/or ovarian cancer syndrome; Hereditary breast and ovarian cancer syndrome; Hereditary breast and ovarian cancer; Breast and ovarian cancer. Identifiers: Orphanet 145, MedGen C0677776, MeSH D061325, MONDO:0003582. Disease mechanism: loss of function.

Submission:

Labcorp Genetics (formerly Invitae), Labcorp
Classification: Uncertain significance for Hereditary breast ovarian cancer syndrome. Last evaluated: 2015-07-16. Review status: criteria provided, single submitter. Criteria: Invitae Variant Classification Sherloc (09022015). Collection method: clinical testing. Allele origin: germline.
Comment: This sequence change is a gross duplication of the genomic region encompassing exons 1 and 2 of the BRCA1 gene. It is present in tandem and extends approximately 360 kb upstream of exon 1, and 19 nucleotides downstream of exon 2. Gross duplications that include exons 1 and 2 of the BRCA1 gene have been reported in individuals with breast and/or ovarian cancer (PMID: 19894111, 23996866, 24686251). Segregation with disease or impact on BRCA1 function of these duplications have not been reported, and their breakpoints relative to this duplication are not known. Because the effect of this duplication on BRCA1 mRNA expression and protein function are unknown, this variant has been classified as a Variant of Uncertain Significance.

NM_007294.3(BRCA1):c.(?_-1)_80+?dup

Gene: BRCA1 (BRCA1 DNA repair associated; minus strand). Cytogenetic location: 17q21.31.
Variant type: Duplication.
Other names: c.(?_-1)_80+?dup (LRG_292t1).
Identifiers: ClinVar variation 219523 (VCV000219523.1).